The following is an entry in ClinVar:

NM_001130987.2(DYSF):c.3844_3851del (p.Ser1282fs)

Gene: DYSF (dysferlin; plus strand). Cytogenetic location: 2p13.2.
Variant type: Deletion.
Coding change: c.3844_3851del on transcript NM_001130987.2 (MANE Select); coding-DNA positions 3844 to 3851, 8 bases deleted (AGCCAGCC; older notation c.3844_3851delAGCCAGCC).
Protein change: p.Ser1282fs; shifts the reading frame from serine 1282.
Molecular consequence: frameshift variant.
Genome position (GRCh38, 1-based): chr2:71,600,789-71,600,796, AGCCAGCC deleted; deleting any 8 consecutive bases within chr2:71,600,788-71,600,796 gives the same sequence; the c. name uses the placement nearest the transcript's 3' end. VCF-style (leftmost placement, unchanged base first): chr2-71600787-GCAGCCAGC-G. GRCh37 (hg19) VCF-style: chr2-71827917-GCAGCCAGC-G.
Other names: NM_003494.4:c.3790_3797del; c.3793_3800del, p.Ser1265fs (NM_001130455.2, NM_001130983.2); c.3748_3755del, p.Ser1250fs (NM_001130976.2, NM_001130977.2); c.3790_3797del, p.Ser1264fs (NM_001130978.2, NM_003494.4); c.3883_3890del, p.Ser1295fs (NM_001130979.2); c.3841_3848del, p.Ser1281fs (NM_001130980.2, NM_001130981.2); c.3886_3893del, p.Ser1296fs (NM_001130982.2); c.3751_3758del, p.Ser1251fs (NM_001130984.2, NM_001130986.2); and 1 more; short protein forms S1250fs, S1251fs, S1264fs, S1265fs, S1281fs, S1282fs, S1295fs, S1296fs.
Identifiers: ClinVar variation 4528888 (VCV004528888.1).

ClinVar aggregate classification (germline): Pathogenic (3 of 4 stars; one submission).

Conditions:
Autosomal recessive limb-girdle muscular dystrophy. Identifiers: Orphanet 102015, MedGen C2931907, MONDO:0015152.

Submission:

ClinGen Limb Girdle Muscular Dystrophy Variant Curation Expert Panel, ClinGen
Classification: Pathogenic for Autosomal recessive limb-girdle muscular dystrophy. Last evaluated: 2025-07-15. Review status: reviewed by expert panel. Criteria: ClinGen LGMD VCEP ACMG Specifications DYSF V1.0.0. Collection method: curation. Allele origin: germline. Inheritance: Autosomal recessive inheritance.
Comment: The NM_003494.4: c.3790_3797_del p.(Ser1264ValfsTer9) variant in DYSF, which is also known as NM_001130987.2: c.3844_3851del p.(Ser1282ValfsTer9), is a frameshift variant predicted to cause a premature stop codon in biologically relevant exon 34/55, leading to nonsense mediated decay in a gene in which loss of function is an established disease mechanism (PVS1). This variant has been observed with a second presumed diagnostic DYSF variant in at least one patient with a progressive limb girdle pattern of muscle weakness (PMID: 27647186; 34559919; PP4). This variant is absent from gnomAD v4.1.0 in a region with good sequencing coverage (PM2_Supporting). In summary, this variant meets the criteria to be classified as Pathogenic for autosomal recessive limb girdle muscular dystrophy based on the ACMG/AMP criteria applied, as specified by the ClinGen LGMD VCEP (LGMD VCEP specifications version 1.0.0; 07/15/2025): PVS1, PP4, PM2_Supporting.